The following is an entry in ClinVar:

ClinVar aggregate classification (germline): Uncertain significance. Review status: criteria provided, multiple submitters, no conflicts (2 of 4 stars). 2 submissions from 2 submitters: Uncertain significance (2). Last evaluated 2024-12-09.

Conditions:
Meckel-Gruber syndrome. Also called: Dysencephalia splachnocystica; DYSENCEPHALIA SPLANCHNOCYSTICA; GRUBER SYNDROME. Identifiers: Orphanet 564, MedGen C0265215, MONDO:0018921.
Joubert syndrome. Also called: Familial aplasia of the vermis; JOUBERT-BOLTSHAUSER SYNDROME. Identifiers: Orphanet 475, MedGen C5979921, MONDO:0018772.

Allele frequency attached by ClinVar (database versions not stated): gnomAD 0.00001; gnomAD exomes 0.00001 and 0.00005; TOPMed 0.00002; ExAC 0.00006.
gnomAD v4.1: 18 of 1,607,992 alleles (0.0011%); highest among the groups gnomAD compares: Admixed American, 0.015%; no homozygotes.

Submissions (2):

Labcorp Genetics (formerly Invitae), Labcorp
Classification: Uncertain significance for Joubert syndrome; Meckel-Gruber syndrome. Last evaluated: 2024-12-09. Review status: criteria provided, single submitter. Criteria: Invitae Variant Classification Sherloc (09022015). Collection method: clinical testing. Allele origin: germline.
Comment: This sequence change replaces glutamic acid, which is acidic and polar, with alanine, which is neutral and non-polar, at codon 600 of the CC2D2A protein (p.Glu600Ala). This variant is present in population databases (rs779393473, gnomAD 0.02%). This variant has not been reported in the literature in individuals affected with CC2D2A-related conditions. ClinVar contains an entry for this variant (Variation ID: 944153). Invitae Evidence Modeling of protein sequence and biophysical properties (such as structural, functional, and spatial information, amino acid conservation, physicochemical variation, residue mobility, and thermodynamic stability) indicates that this missense variant is not expected to disrupt CC2D2A protein function with a negative predictive value of 95%. In summary, the available evidence is currently insufficient to determine the role of this variant in disease. Therefore, it has been classified as a Variant of Uncertain Significance.

Blueprint Genetics
Classification: Uncertain significance. Last evaluated: 2024-11-13. Review status: criteria provided, single submitter. Criteria: ACMG Guidelines, 2015. Collection method: clinical testing. Allele origin: germline.

NM_001378615.1(CC2D2A):c.1799A>C (p.Glu600Ala)

Genes: FBXL5 (F-box and leucine rich repeat protein 5; minus strand), CC2D2A (coiled-coil and C2 domain containing 2A; plus strand). Cytogenetic location: 4p15.32.
Variant type: single nucleotide variant.
Coding change: c.1799A>C on transcript NM_001378615.1 (MANE Select); coding-DNA position 1799, A replaced by C.
Protein change: p.Glu600Ala; replaces glutamic acid 600 with alanine.
Molecular consequence: missense variant.
Genome position (GRCh38, 1-based): chr4:15,537,933, A>C. VCF-style: chr4-15537933-A-C. GRCh37 (hg19) VCF-style: chr4-15539556-A-C.
Other names: c.1799A>C, p.Glu600Ala (NM_001080522.2); c.1652A>C, p.Glu551Ala (NM_001378617.1); short protein forms E551A, E600A.
Identifiers: ClinVar variation 944153 (VCV000944153.8), dbSNP rs779393473, ClinGen allele CA2863769.